The following is an entry in ClinVar:

ClinVar aggregate classification (germline): Uncertain significance (1 of 4 stars; one submission).

Allele frequency attached by ClinVar (database versions not stated): gnomAD exomes below 0.00001.
gnomAD v4.1: 6 of 1,612,476 alleles (0.00037%); highest among the groups gnomAD compares: African/African-American, 0.0027%; no homozygotes.

Submission:

Labcorp Genetics (formerly Invitae), Labcorp
Classification: Uncertain significance. Last evaluated: 2024-11-11. Review status: criteria provided, single submitter. Criteria: Invitae Variant Classification Sherloc (09022015). Collection method: clinical testing. Allele origin: germline.
Comment: This sequence change replaces glutamic acid, which is acidic and polar, with glutamine, which is neutral and polar, at codon 353 of the CCDC50 protein (p.Glu353Gln). This variant is not present in population databases (gnomAD no frequency). This variant has not been reported in the literature in individuals affected with CCDC50-related conditions. ClinVar contains an entry for this variant (Variation ID: 1934009). An algorithm developed to predict the effect of missense changes on protein structure and function (PolyPhen-2) suggests that this variant is likely to be disruptive. In summary, the available evidence is currently insufficient to determine the role of this variant in disease. Therefore, it has been classified as a Variant of Uncertain Significance.

NM_178335.3(CCDC50):c.1057G>C (p.Glu353Gln)

Gene: CCDC50 (coiled-coil domain containing 50; plus strand). Cytogenetic location: 3q28.
Variant type: single nucleotide variant.
Coding change: c.1057G>C on transcript NM_178335.3 (MANE Select); coding-DNA position 1057, G replaced by C.
Protein change: p.Glu353Gln; replaces glutamic acid 353 with glutamine.
Molecular consequence: missense variant.
Genome position (GRCh38, 1-based): chr3:191,380,239, G>C. VCF-style: chr3-191380239-G-C. GRCh37 (hg19) VCF-style: chr3-191098028-G-C.
Other names: c.529G>C, p.Glu177Gln (NM_174908.4); short protein forms E177Q, E353Q.
Identifiers: ClinVar variation 1934009 (VCV001934009.5), dbSNP rs1713265913, ClinGen allele CA355766474.